The following is an entry in ClinVar:

ClinVar aggregate classification (germline): Uncertain significance. Review status: criteria provided, multiple submitters, no conflicts (2 of 4 stars). 2 submissions from 2 submitters: Uncertain significance (2). Last evaluated 2025-08-28.

Conditions:
DICER1-related tumor predisposition. Also called: DICER1-related pleuropulmonary blastoma cancer predisposition syndrome; DICER1 syndrome. Identifiers: Orphanet 284343, MedGen C3839822, MONDO:0100216.
Hereditary cancer-predisposing syndrome. Also called: Tumor predisposition; Hereditary Cancer Syndrome; Neoplastic Syndromes, Hereditary; Hereditary neoplastic syndrome. Identifiers: Orphanet 140162, MedGen C0027672, MeSH D009386, MONDO:0015356.

Allele frequency attached by ClinVar (database versions not stated): gnomAD exomes below 0.00001.
gnomAD v4.1: 1 of 1,614,066 alleles (0.000062%); highest among the groups gnomAD compares: Non-Finnish European, 0.000085%; no homozygotes.

Submissions (2):

Ambry Genetics
Classification: Uncertain significance for Hereditary cancer-predisposing syndrome. Last evaluated: 2025-08-28. Review status: criteria provided, single submitter. Criteria: Ambry Variant Classification Scheme 2023. Collection method: clinical testing. Allele origin: germline.
Comment: The p.K530E variant (also known as c.1588A>G), located in coding exon 9 of the DICER1 gene, results from an A to G substitution at nucleotide position 1588. The lysine at codon 530 is replaced by glutamic acid, an amino acid with similar properties. This amino acid position is highly conserved in available vertebrate species. In addition, the in silico prediction for this alteration is inconclusive. Based on the available evidence, the clinical significance of this variant remains unclear.

Labcorp Genetics (formerly Invitae), Labcorp
Classification: Uncertain significance for DICER1-related tumor predisposition. Last evaluated: 2020-09-23. Review status: criteria provided, single submitter. Criteria: Invitae Variant Classification Sherloc (09022015). Collection method: clinical testing. Allele origin: germline.
Comment: This sequence change replaces lysine with glutamic acid at codon 530 of the DICER1 protein (p.Lys530Glu). The lysine residue is highly conserved and there is a small physicochemical difference between lysine and glutamic acid. This variant is not present in population databases (ExAC no frequency). In summary, the available evidence is currently insufficient to determine the role of this variant in disease. Therefore, it has been classified as a Variant of Uncertain Significance. Algorithms developed to predict the effect of missense changes on protein structure and function are either unavailable or do not agree on the potential impact of this missense change (SIFT: "Deleterious"; PolyPhen-2: "Probably Damaging"; Align-GVGD: "Class C0"). This variant has not been reported in the literature in individuals with DICER1-related conditions.

NM_177438.3(DICER1):c.1588A>G (p.Lys530Glu)

Gene: DICER1 (dicer 1, ribonuclease III; minus strand). Cytogenetic location: 14q32.13.
Variant type: single nucleotide variant.
Coding change: c.1588A>G on transcript NM_177438.3 (MANE Select); coding-DNA position 1588, A replaced by G.
Protein change: p.Lys530Glu; replaces lysine 530 with glutamic acid.
Molecular consequence: missense variant.
Genome position (GRCh38, 1-based): chr14:95,116,617, T>C on the plus strand (A>G on the coding strand, the complement: DICER1 is on the minus strand). VCF-style: chr14-95116617-T-C. GRCh37 (hg19) VCF-style: chr14-95582954-T-C.
Other names: c.1588A>G (NM_177438.2); c.1588A>G, p.Lys530Glu (NM_001195573.1, NM_001271282.3, NM_001291628.2 and 1 more transcripts); short protein forms K530E.
Identifiers: ClinVar variation 1018965 (VCV001018965.11), dbSNP rs1892498125, ClinGen allele CA390885015.